The following is an entry in ClinVar:

NM_018714.3(COG1):c.671G>A (p.Arg224His)

Gene: COG1 (component of oligomeric golgi complex 1; plus strand). Cytogenetic location: 17q25.1.
Variant type: single nucleotide variant.
Coding change: c.671G>A on transcript NM_018714.3 (MANE Select); coding-DNA position 671, G replaced by A.
Protein change: p.Arg224His; replaces arginine 224 with histidine.
Molecular consequence: missense variant.
Genome position (GRCh38, 1-based): chr17:73,197,010, G>A. VCF-style: chr17-73197010-G-A. GRCh37 (hg19) VCF-style: chr17-71193149-G-A.
Other names: short protein forms R224H.
Identifiers: ClinVar variation 1033908 (VCV001033908.1), dbSNP rs1434730052, ClinGen allele CA400885300.
Genomic context (GRCh38, chr17:73,197,010, plus strand): 5'-CTGACCAAGCTGTGGCCGAGGCCCTGTGCTCTATAATGCTCTTAGAAGAGAGTTCTCCTC[G>A]CCAAGCCCTCACAGACTTCCTGCTGGCCAGAAAGGCAACTATTCAGAAACTTCTCAACCA-3'
Protein context (NP_061184.1, residues 214-234): SIMLLEESSP[Arg224His]QALTDFLLAR

ClinVar aggregate classification (germline): Uncertain significance (1 of 4 stars; one submission).

Conditions:
COG1 congenital disorder of glycosylation (CDG2G). Also called: CONGENITAL DISORDER OF GLYCOSYLATION, TYPE IIg; CDG IIg; CDGII/COG1 CEREBROCOSTOMANDIBULAR-LIKE SYNDROME. Identifiers: Orphanet 263508, MedGen C2931011, MONDO:0012637, OMIM 611209.

Allele frequency attached by ClinVar (database versions not stated): TOPMed below 0.00001; gnomAD exomes 0.00001.

Submission:

Baylor Genetics
Classification: Uncertain significance for COG1 congenital disorder of glycosylation. Last evaluated: 2018-09-22. Review status: criteria provided, single submitter. Criteria: ACMG Guidelines, 2015. Collection method: clinical testing. Allele origin: paternal. Affected: yes.
Comment: This variant was determined to be of uncertain significance according to ACMG Guidelines, 2015 [PMID:25741868].